The following is an entry in ClinVar:

ClinVar aggregate classification (germline): Uncertain significance. Review status: criteria provided, multiple submitters, no conflicts (2 of 4 stars). 3 submissions from 3 submitters: Uncertain significance (2). 1 of the submissions does not count toward it. Last evaluated 2024-04-15.

Conditions:
Jeune thoracic dystrophy. Also called: Jeune syndrome; Infantile thoracic dystrophy; Thoracic pelvic phalangeal dystrophy; Jeune's syndrome; Chondroectodermal dysplasia-like syndrome; Short-rib thoracic dysplasia. Identifiers: Orphanet 474, MedGen C0265275, MONDO:0018770.
Nephronophthisis. Also called: Juvenile Nephronophthisis. Identifiers: Orphanet 655, MedGen C0687120, MONDO:0019005, HP:0000090.
TTC21B-related disorder. Also called: TTC21B-related disorders; TTC21B-related condition.
Asphyxiating thoracic dystrophy 4 (SRTD4). Also called: SHORT-RIB THORACIC DYSPLASIA 4 WITH OR WITHOUT POLYDACTYLY; SHORT-RIB THORACIC DYSPLASIA 4. Identifiers: Orphanet 474, MedGen C3151185, MONDO:0013441, OMIM 613819.
Nephronophthisis 12 (NPHP12). Identifiers: Orphanet 655, MedGen C3151186, MONDO:0013442, OMIM 613820.

Allele frequency attached by ClinVar (database versions not stated): gnomAD 0.00001; TOPMed 0.00001.

Submissions (3):

Fulgent Genetics
Classification: Uncertain significance for Asphyxiating thoracic dystrophy 4; Nephronophthisis 12. Last evaluated: 2024-04-15. Review status: criteria provided, single submitter. Criteria: ACMG Guidelines, 2015. Collection method: clinical testing. Allele origin: germline.

Labcorp Genetics (formerly Invitae), Labcorp
Classification: Uncertain significance for Jeune thoracic dystrophy; Nephronophthisis. Last evaluated: 2021-09-24. Review status: criteria provided, single submitter. Criteria: Invitae Variant Classification Sherloc (09022015). Collection method: clinical testing. Allele origin: germline.
Comment: This sequence change replaces glycine with aspartic acid at codon 140 of the TTC21B protein (p.Gly140Asp). The glycine residue is moderately conserved and there is a moderate physicochemical difference between glycine and aspartic acid. This variant is present in population databases (rs779381150, ExAC 0.003%). This variant has not been reported in the literature in individuals affected with TTC21B-related conditions. Algorithms developed to predict the effect of missense changes on protein structure and function output the following: SIFT: "Tolerated"; PolyPhen-2: "Benign"; Align-GVGD: "Class C0". The aspartic acid amino acid residue is found in multiple mammalian species, which suggests that this missense change does not adversely affect protein function. In summary, the available evidence is currently insufficient to determine the role of this variant in disease. Therefore, it has been classified as a Variant of Uncertain Significance.

PreventionGenetics, part of Exact Sciences
Classification: Uncertain significance for TTC21B-related condition. Last evaluated: 2024-08-23. Review status: no assertion criteria provided. Collection method: clinical testing. Allele origin: germline. Not counted in ClinVar's aggregate classification.
Comment: The TTC21B c.419G>A variant is predicted to result in the amino acid substitution p.Gly140Asp. To our knowledge, this variant has not been reported in the literature. This variant is reported in 0.0035% of alleles in individuals of European (Non-Finnish) descent in gnomAD. At this time, the clinical significance of this variant is uncertain due to the absence of conclusive functional and genetic evidence.

NM_024753.5(TTC21B):c.419G>A (p.Gly140Asp)

Genes: TTC21B-AS1 (TTC21B antisense RNA 1; plus strand), TTC21B (tetratricopeptide repeat domain 21B; minus strand). Cytogenetic location: 2q24.3.
Variant type: single nucleotide variant.
Coding change: c.419G>A on transcript NM_024753.5 (MANE Select); coding-DNA position 419, G replaced by A.
Protein change: p.Gly140Asp; replaces glycine 140 with aspartic acid.
Molecular consequence: missense variant.
Genome position (GRCh38, 1-based): chr2:165,945,534, C>T on the plus strand (G>A on the coding strand, the complement: TTC21B is on the minus strand). VCF-style: chr2-165945534-C-T. GRCh37 (hg19) VCF-style: chr2-166802044-C-T.
Other names: c.419G>A (NM_024753.4); short protein forms G140D.
Identifiers: ClinVar variation 1481030 (VCV001481030.8), dbSNP rs779381150, ClinGen allele CA1942456.